The following is an entry in ClinVar:

NM_005045.4(RELN):c.8569T>C (p.Leu2857=)

Genes: RELN (reelin; minus strand), SLC26A5-AS1 (SLC26A5 antisense RNA 1; plus strand). Cytogenetic location: 7q22.1.
Variant type: single nucleotide variant.
Coding change: c.8569T>C on transcript NM_005045.4 (MANE Select); coding-DNA position 8569, T replaced by C.
Protein change: p.Leu2857=; no amino-acid change (leucine 2857 retained).
Molecular consequence: synonymous variant.
Genome position (GRCh38, 1-based): chr7:103,500,843, A>G on the plus strand (T>C on the coding strand, the complement: RELN is on the minus strand). VCF-style: chr7-103500843-A-G. GRCh37 (hg19) VCF-style: chr7-103141290-A-G.
Other names: c.8569T>C, p.Leu2857= (NM_173054.3).
Identifiers: ClinVar variation 5041171 (VCV005041171.1).
Genomic context (GRCh38, chr7:103,500,843, plus strand): 5'-ATCCCGGATCACAGATGCACTGTTCCCTTAAGCAATCTCCATGGCCCCTGCAGTTGTCCA[A>G]GCATCCAGGGCCCAGGTAGAAATTATCGATTGCCCACTGCATGTCTGAGTACTTCTGATA-3'
Protein context (NP_005036.2, residues 2847-2867): IDNFYLGPGC[Leu2857=]DNCRGHGDCL

ClinVar aggregate classification (germline): Likely benign (1 of 4 stars; one submission).

Submission:

CeGaT Center for Human Genetics Tuebingen
Classification: Likely benign. Last evaluated: 2026-09-01. Review status: criteria provided, single submitter. Criteria: CeGaT Center For Human Genetics Tuebingen Variant Classification Criteria Version 2. Collection method: clinical testing. Allele origin: germline. Affected: yes. Observed: 1 variant allele.
Comment: RELN: BP4, BP7